The following is an entry in ClinVar:

ClinVar aggregate classification (germline): Benign. Review status: criteria provided, multiple submitters, no conflicts (2 of 4 stars). 7 submissions from 7 submitters: Benign (7). Last evaluated 2026-03-03.

Conditions:
Cystinuria (CSNU). Also called: Cystinuria, non-type I; CYSTINURIA, TYPE I; CYSTINURIA, TYPE II; CYSTINURIA, TYPE III. Identifiers: Orphanet 214, MedGen C0010691, MONDO:0009067, OMIM 220100, HP:0003131.

Allele frequency attached by ClinVar (database versions not stated): gnomAD 0.31797 and 0.32264; gnomAD exomes 0.32760 and 0.29793; ESP Exome Variant Server 0.33369; 1000 Genomes Project 0.27995; 1000 Genomes Project 30x 0.28092; ExAC 0.30050; TOPMed 0.30912.
gnomAD v4.1: 527,246 of 1,613,458 alleles (33%); highest among the groups gnomAD compares: Middle Eastern, 36%; 88,141 homozygotes.

Submissions (7):

Women's Health and Genetics/Laboratory Corporation of America, LabCorp
Classification: Benign. Last evaluated: 2026-03-03. Review status: criteria provided, single submitter. Criteria: LabCorp Variant Classification Summary - May 2015. Collection method: clinical testing. Allele origin: germline.

Labcorp Genetics (formerly Invitae), Labcorp
Classification: Benign. Last evaluated: 2026-02-04. Review status: criteria provided, single submitter. Criteria: Invitae Variant Classification Sherloc (09022015). Collection method: clinical testing. Allele origin: germline.

Blueprint Genetics
Classification: Benign. Last evaluated: 2024-11-28. Review status: criteria provided, single submitter. Criteria: ACMG Guidelines, 2015. Collection method: clinical testing. Allele origin: germline.

Mayo Clinic Laboratories, Mayo Clinic
Classification: Benign. Last evaluated: 2022-03-09. Review status: criteria provided, single submitter. Criteria: ACMG Guidelines, 2015. Collection method: clinical testing. Allele origin: germline. Observed: 110 variant alleles.

GeneDx
Classification: Benign. Last evaluated: 2019-12-12. Review status: criteria provided, single submitter. Criteria: GeneDx Variant Classification Process June 2021. Collection method: clinical testing. Allele origin: germline. Affected: yes.

Illumina Laboratory Services, Illumina
Classification: Benign for Cystinuria. Last evaluated: 2018-01-13. Review status: criteria provided, single submitter. Criteria: ICSL Variant Classification Criteria 13 December 2019. Collection method: clinical testing. Allele origin: germline.
Comment: This variant was observed in the ICSL laboratory as part of a predisposition screen in an ostensibly healthy population. It had not been previously curated by ICSL or reported in the Human Gene Mutation Database (HGMD: prior to June 1st, 2018), and was therefore a candidate for classification through an automated scoring system. Utilizing variant allele frequency, disease prevalence and penetrance estimates, and inheritance mode, an automated score was calculated to assess if this variant is too frequent to cause the disease. Based on the score and internal cut-off values, a variant classified as benign is not then subjected to further curation. The score for this variant resulted in a classification of benign for this disease.

Breakthrough Genomics
Classification: Benign. Review status: criteria provided, single submitter. Criteria: ACMG Guidelines, 2015. Collection method: not provided. Allele origin: germline. Inheritance: Autosomal dominant inheritance. Affected: yes.

NM_014270.5(SLC7A9):c.507C>T (p.Ser169=)

Gene: SLC7A9 (solute carrier family 7 member 9; minus strand). Cytogenetic location: 19q13.11.
Variant type: single nucleotide variant.
Coding change: c.507C>T on transcript NM_014270.5 (MANE Select); coding-DNA position 507, C replaced by T.
Protein change: p.Ser169=; no amino-acid change (serine 169 retained).
Molecular consequence: synonymous variant.
Genome position (GRCh38, 1-based): chr19:32,862,558, G>A on the plus strand (C>T on the coding strand, the complement: SLC7A9 is on the minus strand). VCF-style: chr19-32862558-G-A. GRCh37 (hg19) VCF-style: chr19-33353464-G-A.
Other names: p.Ser169=; c.507C>T, p.Ser169= (NM_001126335.2, NM_001243036.2).
Identifiers: ClinVar variation 328759 (VCV000328759.18), dbSNP rs11084673, ClinGen allele CA9358804.